The following is an entry in ClinVar:

NM_003190.5(TAPBP):c.289G>C (p.Val97Leu)

Gene: TAPBP (TAP binding protein; minus strand). Cytogenetic location: 6p21.32.
Variant type: single nucleotide variant.
Coding change: c.289G>C on transcript NM_003190.5 (MANE Select); coding-DNA position 289, G replaced by C.
Protein change: p.Val97Leu; replaces valine 97 with leucine.
Molecular consequence: missense variant. On other transcripts: intron variant (1).
Genome position (GRCh38, 1-based): chr6:33,313,397, C>G on the plus strand (G>C on the coding strand, the complement: TAPBP is on the minus strand). VCF-style: chr6-33313397-C-G. GRCh37 (hg19) VCF-style: chr6-33281174-C-G.
Other names: c.289G>C, p.Val97Leu (NM_172208.3); c.208+297G>C (NM_172209.3); short protein forms V97L.
Identifiers: ClinVar variation 950035 (VCV000950035.9), dbSNP rs1487703229, ClinGen allele CA363621188.

ClinVar aggregate classification (germline): Uncertain significance (1 of 4 stars; one submission).

Conditions:
MHC class I deficiency. Identifiers: Orphanet 34592, MedGen C6024714, MONDO:0011476.

Allele frequency attached by ClinVar (database versions not stated): TOPMed below 0.00001.
gnomAD v4.1: 2 of 1,610,784 alleles (0.00012%); highest among the groups gnomAD compares: Non-Finnish European, 0.00017%; no homozygotes.

Submission:

Labcorp Genetics (formerly Invitae), Labcorp
Classification: Uncertain significance for MHC class I deficiency 1. Last evaluated: 2022-09-13. Review status: criteria provided, single submitter. Criteria: Invitae Variant Classification Sherloc (09022015). Collection method: clinical testing. Allele origin: germline.
Comment: In summary, the available evidence is currently insufficient to determine the role of this variant in disease. Therefore, it has been classified as a Variant of Uncertain Significance. Algorithms developed to predict the effect of missense changes on protein structure and function (SIFT, PolyPhen-2, Align-GVGD) all suggest that this variant is likely to be tolerated. ClinVar contains an entry for this variant (Variation ID: 950035). This variant has not been reported in the literature in individuals affected with TAPBP-related conditions. This variant is not present in population databases (gnomAD no frequency). This sequence change replaces valine, which is neutral and non-polar, with leucine, which is neutral and non-polar, at codon 97 of the TAPBP protein (p.Val97Leu).